The following is an entry in ClinVar:

NM_000057.4(BLM):c.2176A>T (p.Lys726Ter)

Gene: BLM (BLM RecQ like helicase; plus strand). Cytogenetic location: 15q26.1.
Variant type: single nucleotide variant.
Coding change: c.2176A>T on transcript NM_000057.4 (MANE Select); coding-DNA position 2176, A replaced by T.
Protein change: p.Lys726Ter; replaces lysine 726 with a stop codon.
Molecular consequence: nonsense.
Genome position (GRCh38, 1-based): chr15:90,765,397, A>T. VCF-style: chr15-90765397-A-T. GRCh37 (hg19) VCF-style: chr15-91308627-A-T.
Other names: c.2176A>T, p.Lys726Ter (NM_001287246.2, NM_001287247.2); c.1051A>T, p.Lys351Ter (NM_001287248.2); short protein forms K351*, K726*.
Identifiers: ClinVar variation 5003765 (VCV005003765.1).
Genomic context (GRCh38, chr15:90,765,397, plus strand): 5'-TCTCCTGGGGTCACTGTTGTCATTTCTCCCTTGAGATCACTTATCGTAGATCAAGTCCAA[A>T]AGCTGACTTCCTTGGATGTAAGTTATAAAAATACTAATAAAAACACGCCTTAGAAACAAT-3'

ClinVar aggregate classification (germline): Pathogenic (1 of 4 stars; one submission).

Conditions:
Bloom syndrome (BLM). Also called: Bloom-Torre-Machacek syndrome. Identifiers: Orphanet 125, MedGen C0005859, MONDO:0008876, OMIM 210900.

Submission:

Myriad Genetics, Inc.
Classification: Pathogenic for Bloom syndrome. Last evaluated: 2026-04-23. Review status: criteria provided, single submitter. Criteria: Myriad Autosomal Dominant, Autosomal Recessive and X-Linked Classification Criteria (2023). Collection method: clinical testing. Allele origin: unknown.
Comment: NM_000057.3(BLM):c.2176A>T(K726*) is a nonsense variant classified as pathogenic in the context of Bloom syndrome. K726* has not been observed in cases with relevant disease. Relevant functional assessments of this variant are not available in the literature. K726* has not been observed in referenced population frequency databases. In summary, NM_000057.3(BLM):c.2176A>T(K726*) is a nonsense variant in a gene where loss of function is a known mechanism of disease and is predicted to disrupt protein function. Please note: this variant was assessed in the context of healthy population screening.